The following is an entry in ClinVar:

ClinVar aggregate classification (germline): Likely benign (1 of 4 stars; one submission).

Conditions:
NPHP3-related disorder. Also called: NPHP3-related disorders; NPHP3-related condition. Identifiers: MedGen CN379163.

Submission:

PreventionGenetics, part of Exact Sciences
Classification: Likely benign for NPHP3-related condition. Last evaluated: 2025-03-13. Review status: criteria provided, single submitter. Criteria: ACMG Guidelines, 2015. Collection method: clinical testing. Allele origin: germline.
Comment: This variant is classified as likely benign based on ACMG/AMP sequence variant interpretation guidelines (Richards et al. 2015 PMID: 25741868, with internal and published modifications).

NM_153240.5(NPHP3):c.42A>G (p.Glu14=)

Genes: NPHP3 (nephrocystin 3; minus strand), NPHP3-ACAD11 (NPHP3-ACAD11 readthrough (NMD candidate); minus strand), NPHP3-AS1 (NPHP3 antisense RNA 1; plus strand), LOC129937586 (ATAC-STARR-seq lymphoblastoid silent region 14743; plus strand). Cytogenetic location: 3q22.1.
Variant type: single nucleotide variant.
Coding change: c.42A>G on transcript NM_153240.5 (MANE Select); coding-DNA position 42, A replaced by G.
Protein change: p.Glu14=; no amino-acid change (glutamic acid 14 retained).
Molecular consequence: synonymous variant. On other transcripts: non-coding transcript variant (3).
Genome position (GRCh38, 1-based): chr3:132,722,314, T>C on the plus strand (A>G on the coding strand, the complement: NPHP3 is on the minus strand). VCF-style: chr3-132722314-T-C. GRCh37 (hg19) VCF-style: chr3-132441158-T-C.
Identifiers: ClinVar variation 4990786 (VCV004990786.1).